The following is an entry in ClinVar:

ClinVar aggregate classification (germline): Likely pathogenic (1 of 4 stars; one submission).

Allele frequency attached by ClinVar (database versions not stated): gnomAD exomes below 0.00001; TOPMed below 0.00001.
gnomAD v4.1: 1 of 1,601,054 alleles (0.000062%); highest among the groups gnomAD compares: Non-Finnish European, 0.000086%; no homozygotes.

Submission:

GeneDx
Classification: Likely pathogenic. Last evaluated: 2017-10-20. Review status: criteria provided, single submitter. Criteria: GeneDx Variant Classification (06012015). Collection method: clinical testing. Allele origin: germline. Affected: yes.
Comment: A novel c.4257+1 G>A variant that is likely pathogenic has been identified in the SBF2 gene. The c.4257+1 G>A variant has not been published as a pathogenic variant, nor has it been reported as a benign variant to our knowledge. It was not observed in approximately 6,500 individuals of European and African American ancestry in the NHLBI Exome Sequencing Project, indicating it is not a common benign variant in these populations. The c.4257+1 G>A splice site variant destroys the canonical splice donor site in intron 31. It is predicted to cause abnormal gene splicing, either leading to an abnormal message that is subject to nonsense-mediated mRNA decay, or to an abnormal protein product if the message is used for protein translation. Therefore, this variant is likely pathogenic; however, the possibility that it is benign cannot be excluded.

NM_030962.4(SBF2):c.4257+1G>A

Genes: SBF2 (SET binding factor 2; minus strand), SBF2-AS1 (SBF2 antisense RNA 1; plus strand). Cytogenetic location: 11p15.4.
Variant type: single nucleotide variant.
Coding change: c.4257+1G>A on transcript NM_030962.4 (MANE Select); the canonical splice donor site of the intron after coding-DNA position 4257, G replaced by A.
Molecular consequence: splice donor variant. On other transcripts: non-coding transcript variant (1).
Genome position (GRCh38, 1-based): chr11:9,808,900, C>T on the plus strand (G>A on the coding strand, the complement: SBF2 is on the minus strand). VCF-style: chr11-9808900-C-T. GRCh37 (hg19) VCF-style: chr11-9830447-C-T.
Other names: c.4128+1G>A (NM_001386342.1); c.4353+1G>A (NM_001386339.1).
Identifiers: ClinVar variation 234909 (VCV000234909.2), dbSNP rs876661288, ClinGen allele CA10577431.
Genomic context (GRCh38, chr11:9,808,900, plus strand): 5'-TTAAAAATGACCAAATGGAAATATAAATATAAAATATCAAAAAATATGTCTAATAGTTTA[C>T]TTGTGCAGTGATGTCCCAGCCTTCCTCCAAACAGACCAAAACTGAGGAACCATTCTCAAG-3'